The following is an entry in ClinVar:

ClinVar aggregate classification (germline): Uncertain significance. Review status: criteria provided, multiple submitters, no conflicts (2 of 4 stars). 2 submissions from 2 submitters: Uncertain significance (2). Last evaluated 2022-07-04.

Conditions:
Arrhythmogenic right ventricular dysplasia 8 (ARVD8). Also called: ARRHYTHMOGENIC RIGHT VENTRICULAR CARDIOMYOPATHY 8; Arrhythmogenic Right Ventricular Dysplasia/Cardiomyopathy 8; ARRHYTHMOGENIC RIGHT VENTRICULAR DYSPLASIA, FAMILIAL, 8. Identifiers: MedGen C1843896, MONDO:0011831, OMIM 607450.
Arrhythmogenic cardiomyopathy with wooly hair and keratoderma. Also called: Carvajal syndrome; PALMOPLANTAR KERATODERMA WITH LEFT VENTRICULAR CARDIOMYOPATHY AND WOOLLY HAIR; Dilated cardiomyopathy with woolly hair and keratoderma; Arrhythmogenic cardiomyopathy with woolly hair and keratoderma. Identifiers: Orphanet 65282, MedGen C1854063, MONDO:0011581, OMIM 605676.
Cardiomyopathy (CMYO). Also called: Cardiomyopathies. Identifiers: Orphanet 167848, MedGen C0878544, MONDO:0004994, HP:0001638. Inheritance: Various modes of inheritance.

Submissions (2):

Labcorp Genetics (formerly Invitae), Labcorp
Classification: Uncertain significance for Arrhythmogenic cardiomyopathy with wooly hair and keratoderma; Arrhythmogenic right ventricular dysplasia 8. Last evaluated: 2022-07-04. Review status: criteria provided, single submitter. Criteria: Invitae Variant Classification Sherloc (09022015). Collection method: clinical testing. Allele origin: germline.
Comment: This sequence change replaces arginine, which is basic and polar, with leucine, which is neutral and non-polar, at codon 1308 of the DSP protein (p.Arg1308Leu). ClinVar contains an entry for this variant (Variation ID: 626739). In summary, the available evidence is currently insufficient to determine the role of this variant in disease. Therefore, it has been classified as a Variant of Uncertain Significance. Algorithms developed to predict the effect of missense changes on protein structure and function are either unavailable or do not agree on the potential impact of this missense change (SIFT: "Tolerated"; PolyPhen-2: "Possibly Damaging"; Align-GVGD: "Class C0"). This variant has not been reported in the literature in individuals affected with DSP-related conditions. This variant is not present in population databases (gnomAD no frequency).

CHEO Genetics Diagnostic Laboratory, Children's Hospital of Eastern Ontario
Classification: Uncertain significance for Cardiomyopathy. Last evaluated: 2017-09-26. Review status: criteria provided, single submitter. Criteria: ACMG Guidelines, 2015. Collection method: clinical testing. Allele origin: germline. Study: Canadian Open Genetics Repository.

NM_004415.4(DSP):c.3923G>T (p.Arg1308Leu)

Gene: DSP (desmoplakin; plus strand). Cytogenetic location: 6p24.3.
Variant type: single nucleotide variant.
Coding change: c.3923G>T on transcript NM_004415.4 (MANE Select); coding-DNA position 3923, G replaced by T.
Protein change: p.Arg1308Leu; replaces arginine 1308 with leucine.
Molecular consequence: missense variant. On other transcripts: intron variant (1).
Genome position (GRCh38, 1-based): chr6:7,580,113, G>T. VCF-style: chr6-7580113-G-T. GRCh37 (hg19) VCF-style: chr6-7580346-G-T.
Other names: c.3923G>T, p.Arg1308Leu (NM_001319034.2); c.3582+341G>T (NM_001008844.3); c.3923G>T (LRG_423t1); short protein forms R1308L.
Identifiers: ClinVar variation 626739 (VCV000626739.6), dbSNP rs184154918, ClinGen allele CA362685150.